The following is an entry in ClinVar:

ClinVar aggregate classification (germline): Uncertain significance. Review status: criteria provided, multiple submitters, no conflicts (2 of 4 stars). 2 submissions from 2 submitters: Uncertain significance (2). Last evaluated 2022-02-08.

Conditions:
Neuronal ceroid lipofuscinosis. Also called: Neuronal Ceroid Lipofuscinoses. Identifiers: Orphanet 216, Orphanet 79263, MedGen C0027877, MONDO:0016295. Disease mechanism: loss of function.
Neuronal ceroid lipofuscinosis 10 (CLN10). Also called: CTSD-Related Neuronal Ceroid-Lipofuscinosis; NEURONAL CEROID LIPOFUSCINOSIS DUE TO CATHEPSIN D DEFICIENCY. Identifiers: Orphanet 228337, MedGen C1864669, MONDO:0012414, OMIM 610127.

gnomAD v4.1: 1 of 1,614,122 alleles (0.000062%); highest among the groups gnomAD compares: Non-Finnish European, 0.000085%; no homozygotes.

Submissions (2):

Labcorp Genetics (formerly Invitae), Labcorp
Classification: Uncertain significance for Neuronal ceroid lipofuscinosis. Last evaluated: 2022-02-08. Review status: criteria provided, single submitter. Criteria: Invitae Variant Classification Sherloc (09022015). Collection method: clinical testing. Allele origin: germline.
Comment: This sequence change replaces threonine, which is neutral and polar, with isoleucine, which is neutral and non-polar, at codon 189 of the CTSD protein (p.Thr189Ile). This variant is not present in population databases (gnomAD no frequency). This variant has not been reported in the literature in individuals affected with CTSD-related conditions. ClinVar contains an entry for this variant (Variation ID: 457963). Algorithms developed to predict the effect of missense changes on protein structure and function are either unavailable or do not agree on the potential impact of this missense change (SIFT: "Deleterious"; PolyPhen-2: "Possibly Damaging"; Align-GVGD: "Class C0"). In summary, the available evidence is currently insufficient to determine the role of this variant in disease. Therefore, it has been classified as a Variant of Uncertain Significance.

Fulgent Genetics
Classification: Uncertain significance for Neuronal ceroid lipofuscinosis 10. Last evaluated: 2022-01-24. Review status: criteria provided, single submitter. Criteria: ACMG Guidelines, 2015. Collection method: clinical testing. Allele origin: unknown.

NM_001909.5(CTSD):c.566C>T (p.Thr189Ile)

Gene: CTSD (cathepsin D; minus strand). Cytogenetic location: 11p15.5.
Variant type: single nucleotide variant.
Coding change: c.566C>T on transcript NM_001909.5 (MANE Select); coding-DNA position 566, C replaced by T.
Protein change: p.Thr189Ile; replaces threonine 189 with isoleucine.
Molecular consequence: missense variant.
Genome position (GRCh38, 1-based): chr11:1,757,462, G>A on the plus strand (C>T on the coding strand, the complement: CTSD is on the minus strand). VCF-style: chr11-1757462-G-A. GRCh37 (hg19) VCF-style: chr11-1778692-G-A.
Other names: short protein forms T189I.
Identifiers: ClinVar variation 457963 (VCV000457963.10), dbSNP rs1554962634, ClinGen allele CA379096116.